The following is an entry in ClinVar:

ClinVar aggregate classification (germline): Uncertain significance (1 of 4 stars; one submission).

Conditions:
Polycystic kidney disease 2 (PKD2). Also called: POLYCYSTIC KIDNEY DISEASE, ADULT, TYPE II; Polycystic Kidney Disease 2, Autosomal Dominant; POLYCYSTIC KIDNEY DISEASE 2 WITH OR WITHOUT POLYCYSTIC LIVER DISEASE. Identifiers: MedGen C2751306, MONDO:0013131, OMIM 613095.

Submission:

Centre for Mendelian Genomics, University Medical Centre Ljubljana
Classification: Uncertain significance for Polycystic kidney disease 2. Last evaluated: 2019-03-19. Review status: criteria provided, single submitter. Criteria: ACMG Guidelines, 2015. Collection method: clinical testing. Allele origin: unknown. Affected: yes.
Comment: This variant was classified as: Uncertain significance. The available evidence favors the pathogenic nature of this variant, however the currently available data is insufficient to conclusively support its pathogenic nature. Thus this variant is classified as Uncertain significance - favor pathogenic. The following ACMG criteria were applied in classifying this variant: PM2,PP3,PP4.

NM_000297.4(PKD2):c.872T>C (p.Leu291Pro)

Gene: PKD2 (polycystin 2, transient receptor potential cation channel; plus strand). Cytogenetic location: 4q22.1.
Variant type: single nucleotide variant.
Coding change: c.872T>C on transcript NM_000297.4 (MANE Select); coding-DNA position 872, T replaced by C.
Protein change: p.Leu291Pro; replaces leucine 291 with proline.
Molecular consequence: missense variant. On other transcripts: non-coding transcript variant (1).
Genome position (GRCh38, 1-based): chr4:88,038,279, T>C. VCF-style: chr4-88038279-T-C. GRCh37 (hg19) VCF-style: chr4-88959431-T-C.
Other names: short protein forms L291P.
Identifiers: ClinVar variation 930455 (VCV000930455.3), dbSNP rs1727414003, ClinGen allele CA357632352.